The following is an entry in ClinVar:

ClinVar aggregate classification (germline): Conflicting classifications of pathogenicity. Review status: criteria provided, conflicting classifications (1 of 4 stars). 2 submissions from 2 submitters: Uncertain significance (1); Likely benign (1). Last evaluated 2024-07-25.

Conditions:
Inborn genetic diseases. Identifiers: MedGen C0950123, MeSH D030342.

Allele frequency attached by ClinVar (database versions not stated): gnomAD 0.00001; gnomAD exomes 0.00001; ExAC 0.00002.
gnomAD v4.1: 16 of 1,614,062 alleles (0.00099%); highest among the groups gnomAD compares: Admixed American, 0.0033%; no homozygotes.

Submissions (2):

Labcorp Genetics (formerly Invitae), Labcorp
Classification: Uncertain significance. Last evaluated: 2024-07-25. Review status: criteria provided, single submitter. Criteria: Invitae Variant Classification Sherloc (09022015). Collection method: clinical testing. Allele origin: germline.
Comment: This sequence change replaces alanine, which is neutral and non-polar, with valine, which is neutral and non-polar, at codon 1009 of the TRRAP protein (p.Ala1009Val). This variant is present in population databases (rs782527025, gnomAD 0.004%). This variant has not been reported in the literature in individuals affected with TRRAP-related conditions. ClinVar contains an entry for this variant (Variation ID: 2554935). Advanced modeling of protein sequence and biophysical properties (such as structural, functional, and spatial information, amino acid conservation, physicochemical variation, residue mobility, and thermodynamic stability) performed at Invitae indicates that this missense variant is not expected to disrupt TRRAP protein function with a negative predictive value of 80%. In summary, the available evidence is currently insufficient to determine the role of this variant in disease. Therefore, it has been classified as a Variant of Uncertain Significance.

Ambry Genetics
Classification: Likely benign for Inborn genetic diseases. Last evaluated: 2023-06-01. Review status: criteria provided, single submitter. Criteria: Ambry Variant Classification Scheme 2023. Collection method: clinical testing. Allele origin: germline.

NM_001375524.1(TRRAP):c.3026C>T (p.Ala1009Val)

Gene: TRRAP (transformation/transcription domain associated protein; plus strand). Cytogenetic location: 7q22.1.
Variant type: single nucleotide variant.
Coding change: c.3026C>T on transcript NM_001375524.1 (MANE Select); coding-DNA position 3026, C replaced by T.
Protein change: p.Ala1009Val; replaces alanine 1009 with valine.
Molecular consequence: missense variant.
Genome position (GRCh38, 1-based): chr7:98,927,217, C>T. VCF-style: chr7-98927217-C-T. GRCh37 (hg19) VCF-style: chr7-98524840-C-T.
Other names: c.3026C>T, p.Ala1009Val (NM_001244580.2, NM_003496.4); short protein forms A1009V.
Identifiers: ClinVar variation 2554935 (VCV002554935.4), dbSNP rs782527025, ClinGen allele CA4359914.